The following is an entry in ClinVar:

ClinVar aggregate classification (germline): Pathogenic/Likely pathogenic. Review status: criteria provided, multiple submitters, no conflicts (2 of 4 stars). 2 submissions from 2 submitters: Pathogenic (1); Likely pathogenic (1). Last evaluated 2026-01-06.

Conditions:
Focal segmental glomerulosclerosis 2 (FSGS2). Identifiers: Orphanet 656, MedGen C1858915, MONDO:0011390, OMIM 603965.

Submissions (2):

Labcorp Genetics (formerly Invitae), Labcorp
Classification: Pathogenic. Last evaluated: 2026-01-06. Review status: criteria provided, single submitter. Criteria: Invitae Variant Classification Sherloc (09022015). Collection method: clinical testing. Allele origin: germline.
Comment: This sequence change replaces glutamine, which is neutral and polar, with lysine, which is basic and polar, at codon 889 of the TRPC6 protein (p.Gln889Lys). This variant is not present in population databases (gnomAD no frequency). This missense change has been observed in individuals with familial focal segmental glomerulosclerosis (PMID: 19124028, 23689571; internal data). It has also been observed to segregate with disease in related individuals. ClinVar contains an entry for this variant (Variation ID: 3598781). Invitae Evidence Modeling of protein sequence and biophysical properties (such as structural, functional, and spatial information, amino acid conservation, physicochemical variation, residue mobility, and thermodynamic stability) has been performed for this missense variant. However, the output from this modeling did not meet the statistical confidence thresholds required to predict the impact of this variant on TRPC6 protein function. Experimental studies have shown that this missense change affects TRPC6 function (PMID: 19124028, 26892346). For these reasons, this variant has been classified as Pathogenic.

Fulgent Genetics
Classification: Likely pathogenic for Focal segmental glomerulosclerosis 2. Last evaluated: 2024-02-15. Review status: criteria provided, single submitter. Criteria: ACMG Guidelines, 2015. Collection method: clinical testing. Allele origin: germline.

Literature cited by the submitters: PubMed 19124028 (cited by Labcorp Genetics (formerly Invitae), Labcorp); PubMed 23689571 (cited by Labcorp Genetics (formerly Invitae), Labcorp); PubMed 26892346 (cited by Labcorp Genetics (formerly Invitae), Labcorp).

NM_004621.6(TRPC6):c.2665C>A (p.Gln889Lys)

Gene: TRPC6 (transient receptor potential cation channel subfamily C member 6; minus strand). Cytogenetic location: 11q22.1.
Variant type: single nucleotide variant.
Coding change: c.2665C>A on transcript NM_004621.6 (MANE Select); coding-DNA position 2665, C replaced by A.
Protein change: p.Gln889Lys; replaces glutamine 889 with lysine.
Molecular consequence: missense variant.
Genome position (GRCh38, 1-based): chr11:101,453,086, G>T on the plus strand (C>A on the coding strand, the complement: TRPC6 is on the minus strand). VCF-style: chr11-101453086-G-T. GRCh37 (hg19) VCF-style: chr11-101323817-G-T.
Other names: short protein forms Q889K.
Identifiers: ClinVar variation 3598781 (VCV003598781.2).
Genomic context (GRCh38, chr11:101,453,086, plus strand): 5'-GGTCTTCTGTATTCTGAGATTTTTCTTCAAGGAGTTCATAGCGGAGACTTGAGATGTCCT[G>T]CTTAATTTCCTTCAGTTCCCCTTTGAAAGCAAGAGTGATAAGAAGTCAACTATAAATACG-3'
Protein context (NP_004612.2, residues 879-899): VNEGELKEIK[Gln889Lys]DISSLRYELL